The following is an entry in ClinVar:

NM_001365951.3(KIF1B):c.3158G>C (p.Arg1053Pro)

Gene: KIF1B (kinesin family member 1B; plus strand). Cytogenetic location: 1p36.22.
Variant type: single nucleotide variant.
Coding change: c.3158G>C on transcript NM_001365951.3 (MANE Select); coding-DNA position 3158, G replaced by C.
Protein change: p.Arg1053Pro; replaces arginine 1053 with proline.
Molecular consequence: missense variant.
Genome position (GRCh38, 1-based): chr1:10,337,102, G>C. VCF-style: chr1-10337102-G-C. GRCh37 (hg19) VCF-style: chr1-10397160-G-C.
Other names: c.3158G>C, p.Arg1053Pro (NM_001365952.1); c.3020G>C, p.Arg1007Pro (NM_015074.3); short protein forms R1007P, R1053P.
Identifiers: ClinVar variation 3226432 (VCV003226432.1), dbSNP rs969289278, ClinGen allele CA17841514.
Genomic context (GRCh38, chr1:10,337,102, plus strand): 5'-TTACCATGTATCTGCCCCTGCCTTTTTTTCAGAGTGACTTTTCGTCTGTTGCAATGACTC[G>C]TTCTGGTCTGTCCTTGGAGGAGTTGAGGATTGTGGAAGGACAGGGTCAGAGTTCTGAGGT-3'
Protein context (NP_001352880.1, residues 1043-1063): QSDFSSVAMT[Arg1053Pro]SGLSLEELRI

ClinVar aggregate classification (germline): Uncertain significance (1 of 4 stars; one submission).

gnomAD v4.1: 1 of 1,614,066 alleles (0.000062%); highest among the groups gnomAD compares: South Asian, 0.0011%; no homozygotes.

Submission:

Ambry Genetics
Classification: Uncertain significance. Last evaluated: 2023-12-20. Review status: criteria provided, single submitter. Criteria: Ambry Variant Classification Scheme 2023. Collection method: clinical testing. Allele origin: germline.
Comment: The p.R1007P variant (also known as c.3020G>C), located in coding exon 27 of the KIF1B gene, results from a G to C substitution at nucleotide position 3020. The arginine at codon 1007 is replaced by proline, an amino acid with dissimilar properties. This amino acid position is well conserved in available vertebrate species. In addition, this alteration is predicted to be deleterious by in silico analysis. The evidence for this gene-disease relationship is limited; therefore, the clinical significance of this alteration is unclear.